The following is an entry in ClinVar:

NM_000019.4(ACAT1):c.1253G>A (p.Gly418Asp)

Gene: ACAT1 (acetyl-CoA acetyltransferase 1; plus strand). Cytogenetic location: 11q22.3.
Variant type: single nucleotide variant.
Coding change: c.1253G>A on transcript NM_000019.4 (MANE Select); coding-DNA position 1253, G replaced by A.
Protein change: p.Gly418Asp; replaces glycine 418 with aspartic acid.
Molecular consequence: missense variant.
Genome position (GRCh38, 1-based): chr11:108,147,359, G>A. VCF-style: chr11-108147359-G-A. GRCh37 (hg19) VCF-style: chr11-108018086-G-A.
Other names: c.1253G>A, p.Gly418Asp (LRG_1400t1); short protein forms G418D.
Identifiers: ClinVar variation 281026 (VCV000281026.13), dbSNP rs886042080, ClinGen allele CA10603786.

ClinVar aggregate classification (germline): Conflicting classifications of pathogenicity. Review status: criteria provided, conflicting classifications (1 of 4 stars). 3 submissions from 3 submitters: Likely pathogenic (1); Uncertain significance (2). Last evaluated 2023-02-26.

Conditions:
Deficiency of acetyl-CoA acetyltransferase. Also called: Beta-ketothiolase deficiency; MITOCHONDRIAL ACETOACETYL-CoA THIOLASE DEFICIENCY; 3-KETOTHIOLASE DEFICIENCY; 3-OXOTHIOLASE DEFICIENCY. Identifiers: Orphanet 134, MedGen C1536500, MONDO:0008760, OMIM 203750. Disease mechanism: loss of function.

gnomAD v4.1: 4 of 1,613,906 alleles (0.00025%); highest among the groups gnomAD compares: Non-Finnish European, 0.00034%; no homozygotes.

Submissions (3):

Labcorp Genetics (formerly Invitae), Labcorp
Classification: Likely pathogenic for Deficiency of acetyl-CoA acetyltransferase. Last evaluated: 2023-02-26. Review status: criteria provided, single submitter. Criteria: Invitae Variant Classification Sherloc (09022015). Collection method: clinical testing. Allele origin: germline.
Comment: In summary, the currently available evidence indicates that the variant is pathogenic, but additional data are needed to prove that conclusively. Therefore, this variant has been classified as Likely Pathogenic. Advanced modeling of protein sequence and biophysical properties (such as structural, functional, and spatial information, amino acid conservation, physicochemical variation, residue mobility, and thermodynamic stability) performed at Invitae indicates that this missense variant is expected to disrupt ACAT1 protein function. ClinVar contains an entry for this variant (Variation ID: 281026). This missense change has been observed in individuals with beta-ketothiolase deficiency (PMID: 28689740). This variant is not present in population databases (gnomAD no frequency). This sequence change replaces glycine, which is neutral and non-polar, with aspartic acid, which is acidic and polar, at codon 418 of the ACAT1 protein (p.Gly418Asp).

Department of Pediatrics, Gifu University
Classification: Uncertain significance for Deficiency of acetyl-CoA acetyltransferase. Last evaluated: 2019-05-05. Review status: criteria provided, single submitter. Criteria: ACMG Guidelines, 2015. Collection method: research. Allele origin: germline. Affected: yes. Observed: 1 variant allele.

Eurofins Ntd Llc (ga)
Classification: Uncertain significance. Last evaluated: 2016-05-02. Review status: criteria provided, single submitter. Criteria: EGL Classification Definitions 2015. Collection method: clinical testing. Allele origin: germline. Observed: 2 variant alleles, 2 homozygotes.

Literature cited by the submitters: PubMed 28689740 (cited by Labcorp Genetics (formerly Invitae), Labcorp); PubMed 31268215 (cited by Department of Pediatrics, Gifu University).